The following is an entry in ClinVar:

ClinVar aggregate classification (germline): Uncertain significance. Review status: criteria provided, multiple submitters, no conflicts (2 of 4 stars). 2 submissions from 2 submitters: Uncertain significance (2). Last evaluated 2024-10-10.

Conditions:
Developmental and epileptic encephalopathy, 23 (DEE23). Also called: Epileptic encephalopathy, early infantile, 23. Identifiers: Orphanet 411986, MedGen C4014492, MONDO:0014371, OMIM 615859.

Allele frequency attached by ClinVar (database versions not stated): gnomAD exomes below 0.00001; ExAC 0.00001; gnomAD 0.00001 and 0.00002; TOPMed 0.00003.
gnomAD v4.1: 14 of 1,613,632 alleles (0.00087%); highest among the groups gnomAD compares: Middle Eastern, 0.033%; no homozygotes.

Submissions (2):

GeneDx
Classification: Uncertain significance. Last evaluated: 2024-10-10. Review status: criteria provided, single submitter. Criteria: GeneDx Variant Classification Process June 2021. Collection method: clinical testing. Allele origin: germline. Affected: yes.
Comment: Not observed at significant frequency in large population cohorts (gnomAD); In silico analysis indicates that this missense variant does not alter protein structure/function; Has not been previously published as pathogenic or benign to our knowledge

Labcorp Genetics (formerly Invitae), Labcorp
Classification: Uncertain significance for Developmental and epileptic encephalopathy, 23. Last evaluated: 2024-02-26. Review status: criteria provided, single submitter. Criteria: Invitae Variant Classification Sherloc (09022015). Collection method: clinical testing. Allele origin: germline.
Comment: This sequence change replaces tyrosine, which is neutral and polar, with phenylalanine, which is neutral and non-polar, at codon 1229 of the DOCK7 protein (p.Tyr1229Phe). This variant is present in population databases (rs752478136, gnomAD 0.002%). This variant has not been reported in the literature in individuals affected with DOCK7-related conditions. ClinVar contains an entry for this variant (Variation ID: 1418620). Advanced modeling of protein sequence and biophysical properties (such as structural, functional, and spatial information, amino acid conservation, physicochemical variation, residue mobility, and thermodynamic stability) performed at Invitae indicates that this missense variant is not expected to disrupt DOCK7 protein function with a negative predictive value of 80%. In summary, the available evidence is currently insufficient to determine the role of this variant in disease. Therefore, it has been classified as a Variant of Uncertain Significance.

NM_001367561.1(DOCK7):c.3686A>T (p.Tyr1229Phe)

Gene: DOCK7 (dedicator of cytokinesis 7; minus strand). Cytogenetic location: 1p31.3.
Variant type: single nucleotide variant.
Coding change: c.3686A>T on transcript NM_001367561.1 (MANE Select); coding-DNA position 3686, A replaced by T.
Protein change: p.Tyr1229Phe; replaces tyrosine 1229 with phenylalanine.
Molecular consequence: missense variant.
Genome position (GRCh38, 1-based): chr1:62,529,372, T>A on the plus strand (A>T on the coding strand, the complement: DOCK7 is on the minus strand). VCF-style: chr1-62529372-T-A. GRCh37 (hg19) VCF-style: chr1-62995043-T-A.
Other names: c.3686A>T, p.Tyr1229Phe (NM_001271999.2, NM_001330614.2); c.3593A>T, p.Tyr1198Phe (NM_001272000.2, NM_001272001.2, NM_033407.4); c.3686A>T (NM_001271999.1); short protein forms Y1198F, Y1229F.
Identifiers: ClinVar variation 1418620 (VCV001418620.5), dbSNP rs752478136, ClinGen allele CA885916.